The following is an entry in ClinVar:

NM_005120.3(MED12):c.4520T>C (p.Val1507Ala)

Gene: MED12 (mediator complex subunit 12; plus strand). Cytogenetic location: Xq13.1.
Variant type: single nucleotide variant.
Coding change: c.4520T>C on transcript NM_005120.3 (MANE Select); coding-DNA position 4520, T replaced by C.
Protein change: p.Val1507Ala; replaces valine 1507 with alanine.
Molecular consequence: missense variant.
Genome position (GRCh38, 1-based): chrX:71,132,949, T>C. VCF-style: chrX-71132949-T-C. GRCh37 (hg19) VCF-style: chrX-70352799-T-C.
Other names: short protein forms V1507A.
Identifiers: ClinVar variation 3067583 (VCV003067583.21), dbSNP rs2519702572, ClinGen allele CA413528408.

ClinVar aggregate classification (germline): Uncertain significance (1 of 4 stars; one submission).

Submission:

CeGaT Center for Human Genetics Tuebingen
Classification: Uncertain significance. Last evaluated: 2024-03-01. Review status: criteria provided, single submitter. Criteria: CeGaT Center For Human Genetics Tuebingen Variant Classification Criteria Version 2. Collection method: clinical testing. Allele origin: germline. Affected: yes. Observed: 1 variant allele.
Comment: MED12: PM2, PP2